The following is an entry in ClinVar:

NM_000219.6(KCNE1):c.199C>A (p.Arg67Ser)

Gene: KCNE1 (potassium voltage-gated channel subfamily E regulatory subunit 1; minus strand). Cytogenetic location: 21q22.12.
Variant type: single nucleotide variant.
Coding change: c.199C>A on transcript NM_000219.6 (MANE Select); coding-DNA position 199, C replaced by A.
Protein change: p.Arg67Ser; replaces arginine 67 with serine.
Molecular consequence: missense variant.
Genome position (GRCh38, 1-based): chr21:34,449,436, G>T on the plus strand (C>A on the coding strand, the complement: KCNE1 is on the minus strand). VCF-style: chr21-34449436-G-T. GRCh37 (hg19) VCF-style: chr21-35821734-G-T.
Other names: c.199C>A, p.Arg67Ser (NM_001127668.4, NM_001127669.4, NM_001127670.4 and 4 more transcripts); short protein forms R67S.
Identifiers: ClinVar variation 1193618 (VCV001193618.10), dbSNP rs199473645, ClinGen allele CA320425320.

ClinVar aggregate classification (germline): Uncertain significance. Review status: criteria provided, multiple submitters, no conflicts (2 of 4 stars). 4 submissions from 4 submitters: Uncertain significance (4). Last evaluated 2025-10-01.

Conditions:
Long QT syndrome 5 (LQT5). Identifiers: Orphanet 101016, Orphanet 768, MedGen C1867904, MONDO:0013372, OMIM 613695.
Jervell and Lange-Nielsen syndrome 2 (JLNS2). Identifiers: Orphanet 768, Orphanet 90647, MedGen C2676723, MONDO:0012871, OMIM 612347.
Long QT syndrome (LQTS). Identifiers: MedGen C0023976, MeSH D008133, MONDO:0002442. Disease mechanism: loss of function. Inheritance: Various modes of inheritance.
Cardiovascular phenotype. Identifiers: MedGen CN230736.

Submissions (5):

GeneDx
Classification: Uncertain significance. Last evaluated: 2025-10-01. Review status: criteria provided, single submitter. Criteria: GeneDx Variant Classification Process June 2021. Collection method: clinical testing. Allele origin: germline. Affected: yes.
Comment: Not observed at significant frequency in large population cohorts (gnomAD); In silico analysis supports that this missense variant has a deleterious effect on protein structure/function; In vitro studies showed that p.(R67S) results in a partial functional score category, with gain on trafficking ability, and cell surface expression (PMID: 38816749); This variant is associated with the following publications: (PMID: 38816749)

Ambry Genetics
Classification: Uncertain significance for Cardiovascular phenotype. Last evaluated: 2025-04-09. Review status: criteria provided, single submitter. Criteria: Ambry Variant Classification Scheme 2023. Collection method: clinical testing. Allele origin: germline.
Comment: The p.R67S variant (also known as c.199C>A), located in coding exon 1 of the KCNE1 gene, results from a C to A substitution at nucleotide position 199. The arginine at codon 67 is replaced by serine, an amino acid with dissimilar properties. This variant has been reported in a long QT syndrome (LQTS) cohort (Garmany R et al. Heart Rhythm, 2020 Jun;17:937-944). This amino acid position is highly conserved in available vertebrate species. In addition, this alteration is predicted to be deleterious by in silico analysis. Based on the available evidence, the clinical significance of this variant remains unclear.

Labcorp Genetics (formerly Invitae), Labcorp
Classification: Uncertain significance for Long QT syndrome. Last evaluated: 2022-03-29. Review status: criteria provided, single submitter. Criteria: Invitae Variant Classification Sherloc (09022015). Collection method: clinical testing. Allele origin: germline.
Comment: This sequence change replaces arginine, which is basic and polar, with serine, which is neutral and polar, at codon 67 of the KCNE1 protein (p.Arg67Ser). This variant is present in population databases (rs199473645, gnomAD 0.002%). This variant has not been reported in the literature in individuals affected with KCNE1-related conditions. ClinVar contains an entry for this variant (Variation ID: 1193618). Algorithms developed to predict the effect of missense changes on protein structure and function (SIFT, PolyPhen-2, Align-GVGD) all suggest that this variant is likely to be disruptive. This variant disrupts the p.Arg67 amino acid residue in KCNE1. Other variant(s) that disrupt this residue have been observed in individuals with KCNE1-related conditions (PMID: 31941373), which suggests that this may be a clinically significant amino acid residue. In summary, the available evidence is currently insufficient to determine the role of this variant in disease. Therefore, it has been classified as a Variant of Uncertain Significance.

Fulgent Genetics
Classification: Uncertain significance for Jervell and Lange-Nielsen syndrome 2; Long QT syndrome 5. Last evaluated: 2021-09-02. Review status: criteria provided, single submitter. Criteria: ACMG Guidelines, 2015. Collection method: clinical testing. Allele origin: unknown.

Roden Lab, Vanderbilt University Medical Center
No classification provided (evidence only). Condition: Long QT syndrome 5. Review status: no classification provided. Collection method: in vitro. Allele origin: not applicable. Functional consequence: Effect on ion channel function. Not counted in ClinVar's aggregate classification.
ClinVar note: "not provided" was previously submitted as the classification for the variant. However, the classification appeared to be based only on an observation of functional data so it was converted to no classification on 2025-07-30.

Literature cited by the submitters: PubMed 32058015 (cited by Ambry Genetics); PubMed 31941373 (cited by Labcorp Genetics (formerly Invitae), Labcorp).